The following is an entry in ClinVar:

ClinVar aggregate classification (germline): Conflicting classifications of pathogenicity. Review status: criteria provided, conflicting classifications (1 of 4 stars). 3 submissions from 3 submitters: Likely pathogenic (1); Uncertain significance (2). Last evaluated 2026-05-27.

Conditions:
EDAR-related disorder. Also called: EDAR-related condition.
Ectodermal dysplasia 10A, hypohidrotic/hair/nail type, autosomal dominant (ECTD10A). Also called: Ectodermal Dysplasia 3, Anhidrotic. Identifiers: Orphanet 1810, Orphanet 238468, MedGen C3888065, MONDO:0007509, OMIM 129490.
Autosomal recessive hypohidrotic ectodermal dysplasia syndrome. Also called: Autosomal recessive hypohidrotic ectodermal dysplasia. Identifiers: Orphanet 248, MedGen C0406702, MONDO:0016619.

Allele frequency attached by ClinVar (database versions not stated): TOPMed below 0.00001; gnomAD 0.00001; gnomAD exomes 0.00001 and 0.00002; ExAC 0.00002.
gnomAD v4.1: 16 of 1,613,992 alleles (0.00099%); highest among the groups gnomAD compares: Non-Finnish European, 0.00068%; no homozygotes.

Submissions (3):

PreventionGenetics, part of Exact Sciences
Classification: Uncertain significance for EDAR-related condition. Last evaluated: 2026-05-27. Review status: criteria provided, single submitter. Criteria: ACMG Guidelines, 2015. Collection method: clinical testing. Allele origin: germline.
Comment: The EDAR c.973C>T variant is predicted to result in the amino acid substitution p.Arg325Trp. This variant was reported in the heterozygous state in three unrelated individuals with tooth agenesis; however, two also had additional variants in other candidate genes (Arte et al. 2013. PubMed ID: 23991204). In the family with only the p.Arg325Trp variant, the variant was identified in an affected brother and an unaffected mother (Family 47 in Table S2, Arte et al. 2013. PubMed ID: 23991204). This variant is reported in 0.014% of alleles in individuals of European (Finnish) descent in gnomAD. Although we suspect that this variant may be pathogenic, at this time, the clinical significance of this variant is uncertain due to the absence of conclusive functional and genetic evidence.

Blueprint Genetics
Classification: Uncertain significance. Last evaluated: 2024-07-04. Review status: criteria provided, single submitter. Criteria: ACMG Guidelines, 2015. Collection method: clinical testing. Allele origin: germline.

Labcorp Genetics (formerly Invitae), Labcorp
Classification: Likely pathogenic for Ectodermal dysplasia 10A, hypohidrotic/hair/nail type, autosomal dominant; Autosomal recessive hypohidrotic ectodermal dysplasia syndrome. Last evaluated: 2024-06-10. Review status: criteria provided, single submitter. Criteria: Invitae Variant Classification Sherloc (09022015). Collection method: clinical testing. Allele origin: germline.
Comment: This sequence change replaces arginine, which is basic and polar, with tryptophan, which is neutral and slightly polar, at codon 325 of the EDAR protein (p.Arg325Trp). This variant is present in population databases (rs755654853, gnomAD 0.01%). This missense change has been observed in individual(s) with tooth agenesis (PMID: 23991204). It has also been observed to segregate with disease in related individuals. ClinVar contains an entry for this variant (Variation ID: 847026). Advanced modeling of protein sequence and biophysical properties (such as structural, functional, and spatial information, amino acid conservation, physicochemical variation, residue mobility, and thermodynamic stability) performed at Invitae indicates that this missense variant is not expected to disrupt EDAR protein function with a negative predictive value of 80%. In summary, the currently available evidence indicates that the variant is pathogenic, but additional data are needed to prove that conclusively. Therefore, this variant has been classified as Likely Pathogenic.

Literature cited by the submitters: PubMed 23991204 (cited by Labcorp Genetics (formerly Invitae), Labcorp).

NM_022336.4(EDAR):c.973C>T (p.Arg325Trp)

Genes: RANBP2 (RAN binding protein 2; plus strand), EDAR (ectodysplasin A receptor; minus strand). Cytogenetic location: 2q13.
Variant type: single nucleotide variant.
Coding change: c.973C>T on transcript NM_022336.4 (MANE Select); coding-DNA position 973, C replaced by T.
Protein change: p.Arg325Trp; replaces arginine 325 with tryptophan.
Molecular consequence: missense variant.
Genome position (GRCh38, 1-based): chr2:108,906,359, G>A on the plus strand (C>T on the coding strand, the complement: EDAR is on the minus strand). VCF-style: chr2-108906359-G-A. GRCh37 (hg19) VCF-style: chr2-109522815-G-A.
Other names: short protein forms R325W.
Identifiers: ClinVar variation 847026 (VCV000847026.11), dbSNP rs755654853, ClinGen allele CA1824863.
Genomic context (GRCh38, chr2:108,906,359, plus strand): 5'-TCAGCTTACCTTCCACGACTCCACACACGTTGGCATACACATCGAGGATCTTTTTCCTCC[G>A]GCTTTGAATCTGTGAAAAAGAGTCGAGAATTTTCATCTCCAGAAAGGGGCAACAGTAGAA-3'
Protein context (NP_071731.1, residues 315-335): TSNKSAGIQS[Arg325Trp]RKKILDVYAN